The following is an entry in ClinVar:

NM_032578.4(MYPN):c.312G>A (p.Gln104=)

Gene: MYPN (myopalladin; plus strand). Cytogenetic location: 10q21.3.
Variant type: single nucleotide variant.
Coding change: c.312G>A on transcript NM_032578.4 (MANE Select); coding-DNA position 312, G replaced by A.
Protein change: p.Gln104=; no amino-acid change (glutamine 104 retained).
Molecular consequence: synonymous variant. On other transcripts: non-coding transcript variant (1), 5 prime UTR variant (1).
Genome position (GRCh38, 1-based): chr10:68,121,750, G>A. VCF-style: chr10-68121750-G-A. GRCh37 (hg19) VCF-style: chr10-69881507-G-A.
Other names: c.312G>A, p.Gln104= (NM_001256267.2); c.-811G>A (NM_001256268.2).
Identifiers: ClinVar variation 384048 (VCV000384048.8), dbSNP rs571241816, ClinGen allele CA5522257.

ClinVar aggregate classification (germline): Likely benign. Review status: criteria provided, multiple submitters, no conflicts (2 of 4 stars). 3 submissions from 3 submitters: Likely benign (3). Last evaluated 2025-09-19.

Conditions:
Cardiovascular phenotype. Identifiers: MedGen CN230736.
Dilated cardiomyopathy 1KK (CMD1KK). Identifiers: Orphanet 154, Orphanet 75249, MedGen C3714995, MONDO:0014100, OMIM 615248.

Allele frequency attached by ClinVar (database versions not stated): gnomAD 0.00001 and 0.00002; gnomAD exomes 0.00001 and 0.00004; ExAC 0.00002; TOPMed 0.00004; 1000 Genomes Project 30x 0.00016; 1000 Genomes Project 0.00020.
gnomAD v4.1: 18 of 1,614,224 alleles (0.0011%); highest among the groups gnomAD compares: East Asian, 0.029%; no homozygotes.

Submissions (3):

Labcorp Genetics (formerly Invitae), Labcorp
Classification: Likely benign for Dilated cardiomyopathy 1KK. Last evaluated: 2025-09-19. Review status: criteria provided, single submitter. Criteria: Invitae Variant Classification Sherloc (09022015). Collection method: clinical testing. Allele origin: germline.

Ambry Genetics
Classification: Likely benign for Cardiovascular phenotype. Last evaluated: 2019-08-22. Review status: criteria provided, single submitter. Criteria: Ambry Variant Classification Scheme 2023. Collection method: clinical testing. Allele origin: germline.

GeneDx
Classification: Likely benign. Last evaluated: 2016-02-23. Review status: criteria provided, single submitter. Criteria: GeneDx Variant Classification (06012015). Collection method: clinical testing. Allele origin: germline. Affected: yes.
Comment: This variant is considered likely benign or benign based on one or more of the following criteria: it is a conservative change, it occurs at a poorly conserved position in the protein, it is predicted to be benign by multiple in silico algorithms, and/or has population frequency not consistent with disease.